The following is an entry in ClinVar:

ClinVar aggregate classification (germline): Pathogenic (1 of 4 stars; one submission).

Conditions:
Fanconi anemia (FA). Also called: Fanconi's anemia. Identifiers: Orphanet 84, MedGen C0015625, MeSH D005199, MONDO:0019391.

Submission:

Labcorp Genetics (formerly Invitae), Labcorp
Classification: Pathogenic for Fanconi anemia. Last evaluated: 2025-02-09. Review status: criteria provided, single submitter. Criteria: Invitae Variant Classification Sherloc (09022015). Collection method: clinical testing. Allele origin: germline.
Comment: This sequence change creates a premature translational stop signal (p.Gln1084*) in the FANCD2 gene. It is expected to result in an absent or disrupted protein product. Loss-of-function variants in FANCD2 are known to be pathogenic (PMID: 17436244). This variant is not present in population databases (gnomAD no frequency). This variant has not been reported in the literature in individuals affected with FANCD2-related conditions. ClinVar contains an entry for this variant (Variation ID: 2738192). Algorithms developed to predict the effect of sequence changes on RNA splicing suggest that this variant may disrupt the consensus splice site. For these reasons, this variant has been classified as Pathogenic.

Literature cited by the submitters: PubMed 17436244.

NM_001018115.3(FANCD2):c.3250C>T (p.Gln1084Ter)

Genes: FANCD2 (FA complementation group D2; plus strand), FANCD2OS (FANCD2 opposite strand; minus strand). Cytogenetic location: 3p25.3.
Variant type: single nucleotide variant.
Coding change: c.3250C>T on transcript NM_001018115.3 (MANE Select); coding-DNA position 3250, C replaced by T.
Protein change: p.Gln1084Ter; replaces glutamine 1084 with a stop codon.
Molecular consequence: nonsense. On other transcripts: intron variant (1).
Genome position (GRCh38, 1-based): chr3:10,085,837, C>T. VCF-style: chr3-10085837-C-T. GRCh37 (hg19) VCF-style: chr3-10127521-C-T.
Other names: c.3250C>T, p.Gln1084Ter (NM_001319984.2, NM_001374254.1, NM_033084.6); c.3139C>T, p.Gln1047Ter (NM_001374253.1); c.*44-4306G>A (NM_173472.2); short protein forms Q1084*, Q1047*.
Identifiers: ClinVar variation 2738192 (VCV002738192.3), dbSNP rs747450518, ClinGen allele CA351750992.
Genomic context (GRCh38, chr3:10,085,837, plus strand): 5'-AACTAAGCTAACCCCTCTTACCTTGACTTCCTTAGGAGTGGATTTTCTCAACCTGAAAAT[C>T]AGAATTTACTGTATTCAGCCCTCCATGTCCTTAGTAGCCGACTGAAACAGGGAGAACACA-3'